The following is an entry in ClinVar:

NM_020381.4(PDSS2):c.908A>G (p.Glu303Gly)

Gene: PDSS2 (decaprenyl diphosphate synthase subunit 2; minus strand). Cytogenetic location: 6q21.
Variant type: single nucleotide variant.
Coding change: c.908A>G on transcript NM_020381.4 (MANE Select); coding-DNA position 908, A replaced by G.
Protein change: p.Glu303Gly; replaces glutamic acid 303 with glycine.
Molecular consequence: missense variant.
Genome position (GRCh38, 1-based): chr6:107,210,539, T>C on the plus strand (A>G on the coding strand, the complement: PDSS2 is on the minus strand). VCF-style: chr6-107210539-T-C. GRCh37 (hg19) VCF-style: chr6-107531743-T-C.
Other names: short protein forms E303G.
Identifiers: ClinVar variation 1496856 (VCV001496856.9), dbSNP rs545787240, ClinGen allele CA3945979.
Genomic context (GRCh38, chr6:107,210,539, plus strand): 5'-TCCTGATGTAAGACTACAGGAGCTGAGTTTAGATTAAAAGTCATGGAGTCACTGGTCTTT[T>C]CTTTAATAAAAGGCTGGACATCAGAATTTATCTACAAGAAGCAATTAAATGAGTAAATTA-3'
Protein context (NP_065114.3, residues 293-313): INSDVQPFIK[Glu303Gly]KTSDSMTFNL

ClinVar aggregate classification (germline): Uncertain significance. Review status: criteria provided, multiple submitters, no conflicts (2 of 4 stars). 5 submissions from 5 submitters: Uncertain significance (4). 1 of the submissions does not count toward it. Last evaluated 2024-05-22.

Conditions:
Kidney disorder. Also called: Kidney Diseases; renal disorder; Kidney disease; Nephropathy; renal disease. Identifiers: MedGen C0022658, MONDO:0005240, HP:0000112.
Inborn genetic diseases. Identifiers: MedGen C0950123, MeSH D030342.
PDSS2-related disorder. Also called: PDSS2-related condition.

Allele frequency attached by ClinVar (database versions not stated): gnomAD 0.00004; gnomAD exomes 0.00009 and 0.00017; ExAC 0.00017; 1000 Genomes Project 30x 0.00031; 1000 Genomes Project 0.00040.
gnomAD v4.1: 131 of 1,602,714 alleles (0.0082%); highest among the groups gnomAD compares: South Asian, 0.14%; no homozygotes.

Submissions (5):

Blueprint Genetics
Classification: Uncertain significance. Last evaluated: 2024-05-22. Review status: criteria provided, single submitter. Criteria: ACMG Guidelines, 2015. Collection method: clinical testing. Allele origin: germline.

Ambry Genetics
Classification: Uncertain significance for Inborn genetic diseases. Last evaluated: 2021-12-07. Review status: criteria provided, single submitter. Criteria: Ambry Variant Classification Scheme 2023. Collection method: clinical testing. Allele origin: germline.

Labcorp Genetics (formerly Invitae), Labcorp
Classification: Uncertain significance. Last evaluated: 2021-11-24. Review status: criteria provided, single submitter. Criteria: Invitae Variant Classification Sherloc (09022015). Collection method: clinical testing. Allele origin: germline.
Comment: This sequence change replaces glutamic acid, which is acidic and polar, with glycine, which is neutral and non-polar, at codon 303 of the PDSS2 protein (p.Glu303Gly). This variant is present in population databases (rs545787240, gnomAD 0.1%). This variant has not been reported in the literature in individuals affected with PDSS2-related conditions. Algorithms developed to predict the effect of missense changes on protein structure and function output the following: SIFT: "Tolerated"; PolyPhen-2: "Benign"; Align-GVGD: "Class C0". The glycine amino acid residue is found in multiple mammalian species, which suggests that this missense change does not adversely affect protein function. In summary, the available evidence is currently insufficient to determine the role of this variant in disease. Therefore, it has been classified as a Variant of Uncertain Significance.

Genome Diagnostics Laboratory, The Hospital for Sick Children
Classification: Uncertain significance for Kidney disorder. Last evaluated: 2018-07-01. Review status: criteria provided, single submitter. Criteria: ACMG Guidelines, 2015. Collection method: clinical testing. Allele origin: germline.

PreventionGenetics, part of Exact Sciences
Classification: Uncertain significance for PDSS2-related condition. Last evaluated: 2024-02-26. Review status: no assertion criteria provided. Collection method: clinical testing. Allele origin: germline. Not counted in ClinVar's aggregate classification.
Comment: The PDSS2 c.908A>G variant is predicted to result in the amino acid substitution p.Glu303Gly. To our knowledge, this variant has not been reported in the literature. This variant is reported in 0.14% of alleles in individuals of South Asian descent in gnomAD. Although we suspect that this variant may be benign, at this time, the clinical significance of this variant is uncertain due to the absence of conclusive functional and genetic evidence.